The following is an entry in ClinVar:

NM_201384.3(PLEC):c.11952G>A (p.Lys3984=)

Gene: PLEC (plectin; minus strand). Cytogenetic location: 8q24.3.
Variant type: single nucleotide variant.
Coding change: c.11952G>A on transcript NM_201384.3 (MANE Select); coding-DNA position 11952, G replaced by A.
Protein change: p.Lys3984=; no amino-acid change (lysine 3984 retained).
Molecular consequence: synonymous variant.
Genome position (GRCh38, 1-based): chr8:143,917,869, C>T on the plus strand (G>A on the coding strand, the complement: PLEC is on the minus strand). VCF-style: chr8-143917869-C-T. GRCh37 (hg19) VCF-style: chr8-144992037-C-T.
Other names: c.12033G>A, p.Lys4011= (NM_000445.5); c.11910G>A, p.Lys3970= (NM_201378.4); c.11886G>A, p.Lys3962= (NM_201379.3); c.12363G>A, p.Lys4121= (NM_201380.4); c.11856G>A, p.Lys3952= (NM_201381.3); c.11952G>A, p.Lys3984= (NM_201382.4); c.11964G>A, p.Lys3988= (NM_201383.3).
Identifiers: ClinVar variation 753225 (VCV000753225.13), dbSNP rs371941789, ClinGen allele CA4924209.
Genomic context (GRCh38, chr8:143,917,869, plus strand): 5'-CAGCTTGTCCTTGAACTCGGGGCCCACAATGCCCATACGCACAGCCTCCTCCACCGTCAG[C>T]TTCAGTCCCTTGATGGGGTCGATGACGTAACCGGTGGCCGCCTGCGCCTCCAGGAGCTCA-3'
Protein context (NP_958786.1, residues 3974-3994): GYVIDPIKGL[Lys3984=]LTVEEAVRMG

ClinVar aggregate classification (germline): Likely benign. Review status: criteria provided, single submitter (1 of 4 stars). 2 submissions from 2 submitters: Likely benign (1). 1 of the submissions does not count toward it. Last evaluated 2025-08-11.

Conditions:
Epidermolysis bullosa simplex 5B, with muscular dystrophy (EBS5B). Also called: EPIDERMOLYSIS BULLOSA SIMPLEX AND LIMB-GIRDLE MUSCULAR DYSTROPHY; Epidermolysis bullosa simplex with muscular dystrophy. Identifiers: Orphanet 257, MedGen C2931072, MONDO:0009181, OMIM 226670.
Autosomal recessive limb-girdle muscular dystrophy type 2Q (LGMDR17). Also called: MUSCULAR DYSTROPHY, LIMB-GIRDLE, AUTOSOMAL RECESSIVE 17. Identifiers: Orphanet 254361, MedGen C3150989, MONDO:0013390, OMIM 613723.
Epidermolysis bullosa simplex with nail dystrophy (EBS5D). Identifiers: MedGen C4225309, MONDO:0014661, OMIM 616487.
Epidermolysis bullosa simplex, Ogna type (EBS5A). Also called: Pidermolysis bullosa simplex 5A, Ogna type; EPIDERMOLYSIS BULLOSA SIMPLEX 5A, OGNA TYPE. Identifiers: Orphanet 79401, MedGen C0432317, MONDO:0007555, OMIM 131950.
Epidermolysis bullosa simplex 5C, with pyloric atresia (EBS5C). Also called: PLEC-Related Epidermolysis Bullosa with Pyloric Atresia; Epidermolysis bullosa simplex with pyloric atresia; PLEC1-Related Epidermolysis Bullosa with Pyloric Atresia. Identifiers: Orphanet 158684, MedGen C2677349, MONDO:0012807, OMIM 612138.
PLEC-related disorder. Also called: PLEC-related disorders; PLEC-related condition.

Allele frequency attached by ClinVar (database versions not stated): ExAC 0.00001; gnomAD exomes 0.00001 and 0.00003; TOPMed 0.00002; gnomAD 0.00003; ESP Exome Variant Server 0.00008.
gnomAD v4.1: 44 of 1,613,132 alleles (0.0027%); highest among the groups gnomAD compares: Middle Eastern, 0.049%; no homozygotes.

Submissions (2):

Labcorp Genetics (formerly Invitae), Labcorp
Classification: Likely benign for Autosomal recessive limb-girdle muscular dystrophy type 2Q; Epidermolysis bullosa simplex, Ogna type; Epidermolysis bullosa simplex with nail dystrophy; Epidermolysis bullosa simplex 5C, with pyloric atresia; Epidermolysis bullosa simplex 5B, with muscular dystrophy. Last evaluated: 2025-08-11. Review status: criteria provided, single submitter. Criteria: Invitae Variant Classification Sherloc (09022015). Collection method: clinical testing. Allele origin: germline.

PreventionGenetics, part of Exact Sciences
Classification: Likely benign for PLEC-related condition. Last evaluated: 2019-03-29. Review status: no assertion criteria provided. Collection method: clinical testing. Allele origin: germline. Not counted in ClinVar's aggregate classification.
Comment: This variant is classified as likely benign based on ACMG/AMP sequence variant interpretation guidelines (Richards et al. 2015 PMID: 25741868, with internal and published modifications).